The following is an entry in ClinVar:

ClinVar aggregate classification (germline): Pathogenic (1 of 4 stars; one submission).

Conditions:
Retinoblastoma (RB1). Also called: RETINOBLASTOMA, SOMATIC. Identifiers: Orphanet 790, MedGen C0035335, MeSH D012175, MONDO:0008380, OMIM 180200, HP:0009919. Disease mechanism: loss of function. Inheritance: Both sporadic and heritable forms are tested..

Submission:

Genetic Diagnostic Laboratory, University of Pennsylvania School of Medicine
Classification: Pathogenic for Retinoblastoma. Last evaluated: 2024-05-20. Review status: criteria provided, single submitter. Criteria: ACMG Guidelines, 2015. Collection method: clinical testing. Allele origin: germline. Affected: yes. Observed: 1 variant allele.
Comment: Case and Pedigree Information: BILATERAL CASES:1, UNILATERAL CASES:0, TOTAL CASES:1, PEDIGREES:1. ACMG Codes Applied:PVS1, PM2

NM_000321.3(RB1):c.1050-2_1052del

Gene: RB1 (RB transcriptional corepressor 1; plus strand). Cytogenetic location: 13q14.2.
Variant type: Deletion.
Coding change: c.1050-2_1052del on transcript NM_000321.3 (MANE Select); the canonical splice acceptor site of the intron before coding-DNA position 1050 through coding-DNA position 1052, 5 bases deleted (AGTTT; older notation c.1050-2_1052delAGTTT).
Molecular consequence: splice acceptor variant.
Genome position (GRCh38, 1-based): chr13:48,368,525-48,368,529, AGTTT deleted; deleting any 5 consecutive bases within chr13:48,368,522-48,368,529 gives the same sequence; the c. name uses the placement nearest the transcript's 3' end. VCF-style (leftmost placement, unchanged base first): chr13-48368521-ATTTAG-A. GRCh37 (hg19) VCF-style: chr13-48942657-ATTTAG-A.
Other names: c.1050-2_1052del (NM_001407165.1, NM_001407166.1).
Identifiers: ClinVar variation 3236949 (VCV003236949.1), dbSNP rs2542189679.